The following is an entry in ClinVar:

NM_004415.4(DSP):c.3221C>T (p.Ala1074Val)

Gene: DSP (desmoplakin; plus strand). Cytogenetic location: 6p24.3.
Variant type: single nucleotide variant.
Coding change: c.3221C>T on transcript NM_004415.4 (MANE Select); coding-DNA position 3221, C replaced by T.
Protein change: p.Ala1074Val; replaces alanine 1074 with valine.
Molecular consequence: missense variant.
Genome position (GRCh38, 1-based): chr6:7,579,411, C>T. VCF-style: chr6-7579411-C-T. GRCh37 (hg19) VCF-style: chr6-7579644-C-T.
Other names: c.3221C>T, p.Ala1074Val (NM_001008844.3, NM_001319034.2); short protein forms A1074V.
Identifiers: ClinVar variation 1023447 (VCV001023447.10), dbSNP rs745849763, ClinGen allele CA037465.

ClinVar aggregate classification (germline): Conflicting classifications of pathogenicity. Review status: criteria provided, conflicting classifications (1 of 4 stars). 2 submissions from 2 submitters: Uncertain significance (1); Likely benign (1). Last evaluated 2025-03-26.

Conditions:
Arrhythmogenic cardiomyopathy with wooly hair and keratoderma. Also called: Dilated cardiomyopathy with woolly hair and keratoderma; PALMOPLANTAR KERATODERMA WITH LEFT VENTRICULAR CARDIOMYOPATHY AND WOOLLY HAIR; Arrhythmogenic cardiomyopathy with woolly hair and keratoderma; Carvajal syndrome. Identifiers: Orphanet 65282, MedGen C1854063, MONDO:0011581, OMIM 605676.
Arrhythmogenic right ventricular dysplasia 8 (ARVD8). Also called: Arrhythmogenic Right Ventricular Dysplasia/Cardiomyopathy 8; ARRHYTHMOGENIC RIGHT VENTRICULAR DYSPLASIA, FAMILIAL, 8; ARRHYTHMOGENIC RIGHT VENTRICULAR CARDIOMYOPATHY 8. Identifiers: MedGen C1843896, MONDO:0011831, OMIM 607450.

Allele frequency attached by ClinVar (database versions not stated): gnomAD exomes below 0.00001; ExAC 0.00001; gnomAD 0.00001; TOPMed 0.00001.
gnomAD v4.1: 4 of 1,613,952 alleles (0.00025%); highest among the groups gnomAD compares: Non-Finnish European, 0.00025%; no homozygotes.

Submissions (2):

Labcorp Genetics (formerly Invitae), Labcorp
Classification: Likely benign for Arrhythmogenic cardiomyopathy with wooly hair and keratoderma; Arrhythmogenic right ventricular dysplasia 8. Last evaluated: 2025-03-26. Review status: criteria provided, single submitter. Criteria: Invitae Variant Classification Sherloc (09022015). Collection method: clinical testing. Allele origin: germline.

All of Us Research Program, National Institutes of Health
Classification: Uncertain significance for Arrhythmogenic cardiomyopathy with wooly hair and keratoderma. Last evaluated: 2023-08-08. Review status: criteria provided, single submitter. Criteria: ACMG Guidelines, 2015. Collection method: clinical testing. Allele origin: germline. Inheritance: Autosomal dominant inheritance. Observed: 2 variant alleles, 2 heterozygotes.
Comment: This missense variant replaces alanine with valine at codon 1074 of the DSP protein. Computational prediction suggests that this variant may not impact protein structure and function (internally defined REVEL score threshold <= 0.5, PMID: 27666373). To our knowledge, functional studies have not been reported for this variant. This variant has been reported in an individual affected with dilated cardiomyopathy (PMID: 32041989). This variant has been identified in 2/282448 chromosomes in the general population by the Genome Aggregation Database (gnomAD). The available evidence is insufficient to determine the role of this variant in disease conclusively. Therefore, this variant is classified as a Variant of Uncertain Significance.

This study involves interpretation of variants in research participants for the purpose of population health screening. Participant phenotype was not available at the time of variant classification. Additional details can be found in publication PMID: 35346344, PMCID: PMC8962531

Literature cited by the submitters: PubMed 32041989 (cited by All of Us Research Program, National Institutes of Health).